The following is an entry in ClinVar:

ClinVar aggregate classification (germline): Conflicting classifications of pathogenicity. Review status: criteria provided, conflicting classifications (1 of 4 stars). 3 submissions from 3 submitters: Likely pathogenic (1); Uncertain significance (2). Last evaluated 2026-03-29.

Conditions:
Aortic valve disease 2 (AOVD2). Identifiers: MedGen C3542024, MONDO:0013902, OMIM 614823.

Allele frequency attached by ClinVar (database versions not stated): gnomAD exomes below 0.00001.
gnomAD v4.1: 3 of 1,556,142 alleles (0.00019%); highest among the groups gnomAD compares: Non-Finnish European, 0.00017%; no homozygotes.

Submissions (3):

GeneDx
Classification: Likely pathogenic. Last evaluated: 2026-03-29. Review status: criteria provided, single submitter. Criteria: GeneDx Variant Classification Process June 2021. Collection method: clinical testing. Allele origin: germline.
Comment: Reported in an individual with craniosynostosis; the variant was inherited from a parent without craniosynostosis (PMID: 32499606); Not observed at significant frequency in large population cohorts (gnomAD); In silico analysis supports that this missense variant has a deleterious effect on protein structure/function; This variant is associated with the following publications: (PMID: 38913236, 32499606)

Dasa
Classification: Uncertain significance. Last evaluated: 2025-01-09. Review status: criteria provided, single submitter. Criteria: DASA Assertion Criteria. Collection method: clinical testing. Allele origin: germline.
Comment: NM_005585.5(SMAD6):c.1465G>A (p.Glu489Lys) is a missense variant that results in the substitution of glutamic acid with lysine. This variant has been reported in individuals with SMAD6-related disorders. Functional evidence supports an impact on the gene or gene product. Also, this variant is rare in population databases. Computational prediction algorithms are consistent with a deleterious effect. The currently available literature and clinical evidence are not sufficient to establish a definitive association between this variant and the reported condition. Therefore, this variant is classified as a variant of uncertain significance.

Labcorp Genetics (formerly Invitae), Labcorp
Classification: Uncertain significance for Aortic valve disease 2. Last evaluated: 2023-10-09. Review status: criteria provided, single submitter. Criteria: Invitae Variant Classification Sherloc (09022015). Collection method: clinical testing. Allele origin: germline.
Comment: This sequence change replaces glutamic acid, which is acidic and polar, with lysine, which is basic and polar, at codon 489 of the SMAD6 protein (p.Glu489Lys). This variant is not present in population databases (gnomAD no frequency). This missense change has been observed in individual(s) with craniosynostosis (PMID: 32499606). Advanced modeling of protein sequence and biophysical properties (such as structural, functional, and spatial information, amino acid conservation, physicochemical variation, residue mobility, and thermodynamic stability) performed at Invitae indicates that this missense variant is expected to disrupt SMAD6 protein function. Experimental studies have shown that this missense change affects SMAD6 function (PMID: 32499606). In summary, the available evidence is currently insufficient to determine the role of this variant in disease. Therefore, it has been classified as a Variant of Uncertain Significance.

Literature cited by the submitters: PubMed 32499606 (cited by Labcorp Genetics (formerly Invitae), Labcorp).

NM_005585.5(SMAD6):c.1465G>A (p.Glu489Lys)

Gene: SMAD6 (SMAD family member 6; plus strand). Cytogenetic location: 15q22.31.
Variant type: single nucleotide variant.
Coding change: c.1465G>A on transcript NM_005585.5 (MANE Select); coding-DNA position 1465, G replaced by A.
Protein change: p.Glu489Lys; replaces glutamic acid 489 with lysine.
Molecular consequence: missense variant. On other transcripts: non-coding transcript variant (1).
Genome position (GRCh38, 1-based): chr15:66,781,509, G>A. VCF-style: chr15-66781509-G-A. GRCh37 (hg19) VCF-style: chr15-67073847-G-A.
Other names: c.1465G>A (NM_005585.4); short protein forms E489K.
Identifiers: ClinVar variation 2780300 (VCV002780300.6), dbSNP rs2541900244, ClinGen allele CA393202592.